The following is an entry in ClinVar:

NM_018006.5(TRMU):c.816_818delinsA (p.Leu273fs)

Gene: TRMU (tRNA mitochondrial 2-thiouridylase; plus strand). Cytogenetic location: 22q13.31.
Variant type: Indel.
Coding change: c.816_818delinsA on transcript NM_018006.5 (MANE Select); coding-DNA positions 816 to 818, CCT replaced by A.
Protein change: p.Leu273fs; shifts the reading frame from leucine 273.
Molecular consequence: frameshift variant. On other transcripts: non-coding transcript variant (2).
Genome position (GRCh38, 1-based): chr22:46,353,810-46,353,812, CCT replaced by A. VCF-style: chr22-46353810-CCT-A. GRCh37 (hg19) VCF-style: chr22-46749707-CCT-A.
Other names: c.474_476delinsA, p.Leu159fs (NM_001282782.2); c.396_398delinsA, p.Leu133fs (NM_001282783.2, NM_001282784.2); c.816_818delinsA, p.Leu273fs (NM_001282785.2); short protein forms L133fs, L159fs, L273fs.
Identifiers: ClinVar variation 5010759 (VCV005010759.1).

ClinVar aggregate classification (germline): Pathogenic (1 of 4 stars; one submission).

Conditions:
Acute infantile liver failure due to synthesis defect of mtDNA-encoded proteins. Also called: Liver failure acute infantile; LIVER FAILURE, INFANTILE, TRANSIENT; TRMU Deficiency. Identifiers: Orphanet 217371, MedGen C3278664, MONDO:0013111, OMIM 613070.

Submission:

Myriad Genetics, Inc.
Classification: Pathogenic for Acute infantile liver failure due to synthesis defect of mtDNA-encoded proteins. Last evaluated: 2024-05-14. Review status: criteria provided, single submitter. Criteria: Myriad Autosomal Dominant, Autosomal Recessive and X-Linked Classification Criteria (2023). Collection method: clinical testing. Allele origin: unknown.
Comment: NM_018006.4(TRMU):c.816_818delCCTinsA(L273Efs*15) is expected to be pathogenic in the context of acute liver failure, TRMU-related. This variant is predicted to lead to an abnormal or absent protein product due to the creation of a premature termination codon in TRMU, a gene where loss-of-function variants are known to be pathogenic. Please note: this variant was assessed in the context of healthy population screening.